The following is an entry in ClinVar:

NM_199420.4(POLQ):c.4418G>A (p.Gly1473Glu)

Gene: POLQ (DNA polymerase theta; minus strand). Cytogenetic location: 3q13.33.
Variant type: single nucleotide variant.
Coding change: c.4418G>A on transcript NM_199420.4 (MANE Select); coding-DNA position 4418, G replaced by A.
Protein change: p.Gly1473Glu; replaces glycine 1473 with glutamic acid.
Molecular consequence: missense variant.
Genome position (GRCh38, 1-based): chr3:121,488,513, C>T on the plus strand (G>A on the coding strand, the complement: POLQ is on the minus strand). VCF-style: chr3-121488513-C-T. GRCh37 (hg19) VCF-style: chr3-121207360-C-T.
Other names: short protein forms G1473E.
Identifiers: ClinVar variation 3422539 (VCV003422539.1).

ClinVar aggregate classification (germline): Uncertain significance (1 of 4 stars; one submission).

Submission:

Ambry Genetics
Classification: Uncertain significance. Last evaluated: 2024-09-10. Review status: criteria provided, single submitter. Criteria: Ambry Variant Classification Scheme 2023. Collection method: clinical testing. Allele origin: germline.
Comment: The p.G1473E variant (also known as c.4418G>A), located in coding exon 16 of the POLQ gene, results from a G to A substitution at nucleotide position 4418. The glycine at codon 1473 is replaced by glutamic acid, an amino acid with similar properties. This amino acid position is conserved. In addition, this alteration is predicted to be tolerated by in silico analysis. Based on the available evidence, the clinical significance of this variant remains unclear.